The following is an entry in ClinVar:

NM_015512.5(DNAH1):c.7013A>C (p.Asn2338Thr)

Gene: DNAH1 (dynein axonemal heavy chain 1; plus strand). Cytogenetic location: 3p21.1.
Variant type: single nucleotide variant.
Coding change: c.7013A>C on transcript NM_015512.5 (MANE Select); coding-DNA position 7013, A replaced by C.
Protein change: p.Asn2338Thr; replaces asparagine 2338 with threonine.
Molecular consequence: missense variant.
Genome position (GRCh38, 1-based): chr3:52,375,267, A>C. VCF-style: chr3-52375267-A-C. GRCh37 (hg19) VCF-style: chr3-52409283-A-C.
Other names: short protein forms N2338T.
Identifiers: ClinVar variation 651322 (VCV000651322.5), dbSNP rs745972734, ClinGen allele CA2434725.

ClinVar aggregate classification (germline): Uncertain significance (1 of 4 stars; one submission).

Conditions:
Ciliary dyskinesia, primary, 37 (CILD37). Also called: CILIARY DYSKINESIA, PRIMARY, 37, WITH OR WITHOUT SITUS INVERSUS. Identifiers: MedGen C4539798, MONDO:0033204, OMIM 617577.
Spermatogenic failure 18. Identifiers: MedGen C4539783, MONDO:0054615, OMIM 617576.

Allele frequency attached by ClinVar (database versions not stated): gnomAD 0.00003 and 0.00004; gnomAD exomes 0.00008 and 0.00015; TOPMed 0.00008; ExAC 0.00012.

Submission:

Labcorp Genetics (formerly Invitae), Labcorp
Classification: Uncertain significance for Ciliary dyskinesia, primary, 37; Spermatogenic failure 18. Last evaluated: 2022-06-13. Review status: criteria provided, single submitter. Criteria: Invitae Variant Classification Sherloc (09022015). Collection method: clinical testing. Allele origin: germline.
Comment: This sequence change replaces asparagine, which is neutral and polar, with threonine, which is neutral and polar, at codon 2338 of the DNAH1 protein (p.Asn2338Thr). This variant is present in population databases (rs745972734, gnomAD 0.1%). This variant has not been reported in the literature in individuals affected with DNAH1-related conditions. ClinVar contains an entry for this variant (Variation ID: 651322). Algorithms developed to predict the effect of missense changes on protein structure and function are either unavailable or do not agree on the potential impact of this missense change (SIFT: "Deleterious"; PolyPhen-2: "Benign"; Align-GVGD: "Class C0"). In summary, the available evidence is currently insufficient to determine the role of this variant in disease. Therefore, it has been classified as a Variant of Uncertain Significance.